The following is an entry in ClinVar:

NM_006397.3(RNASEH2A):c.715C>T (p.Arg239Cys)

Gene: RNASEH2A (ribonuclease H2 subunit A; plus strand). Cytogenetic location: 19p13.13.
Variant type: single nucleotide variant.
Coding change: c.715C>T on transcript NM_006397.3 (MANE Select); coding-DNA position 715, C replaced by T.
Protein change: p.Arg239Cys; replaces arginine 239 with cysteine.
Molecular consequence: missense variant.
Genome position (GRCh38, 1-based): chr19:12,813,160, C>T. VCF-style: chr19-12813160-C-T. GRCh37 (hg19) VCF-style: chr19-12923974-C-T.
Other names: short protein forms R239C.
Identifiers: ClinVar variation 659767 (VCV000659767.6), dbSNP rs372667206, ClinGen allele CA9232012.

ClinVar aggregate classification (germline): Uncertain significance. Review status: criteria provided, multiple submitters, no conflicts (2 of 4 stars). 3 submissions from 3 submitters: Uncertain significance (3). Last evaluated 2024-11-08.

Conditions:
Aicardi-Goutieres syndrome 4. Identifiers: Orphanet 51, MedGen C1835912, MONDO:0012472, OMIM 610333.

Allele frequency attached by ClinVar (database versions not stated): gnomAD 0.00007; ESP Exome Variant Server 0.00008; TOPMed 0.00008; gnomAD exomes 0.00010 and 0.00011; ExAC 0.00017.
gnomAD v4.1: 166 of 1,613,884 alleles (0.01%); highest among the groups gnomAD compares: Non-Finnish European, 0.013%; 1 homozygote.

Submissions (3):

Blueprint Genetics
Classification: Uncertain significance. Last evaluated: 2024-11-08. Review status: criteria provided, single submitter. Criteria: ACMG Guidelines, 2015. Collection method: clinical testing. Allele origin: germline.

Labcorp Genetics (formerly Invitae), Labcorp
Classification: Uncertain significance for Aicardi-Goutieres syndrome 4. Last evaluated: 2022-09-26. Review status: criteria provided, single submitter. Criteria: Invitae Variant Classification Sherloc (09022015). Collection method: clinical testing. Allele origin: germline.
Comment: This sequence change replaces arginine, which is basic and polar, with cysteine, which is neutral and slightly polar, at codon 239 of the RNASEH2A protein (p.Arg239Cys). This variant is present in population databases (rs372667206, gnomAD 0.02%). This variant has not been reported in the literature in individuals affected with RNASEH2A-related conditions. ClinVar contains an entry for this variant (Variation ID: 659767). Advanced modeling of protein sequence and biophysical properties (such as structural, functional, and spatial information, amino acid conservation, physicochemical variation, residue mobility, and thermodynamic stability) performed at Invitae indicates that this missense variant is not expected to disrupt RNASEH2A protein function. In summary, the available evidence is currently insufficient to determine the role of this variant in disease. Therefore, it has been classified as a Variant of Uncertain Significance.

Fulgent Genetics
Classification: Uncertain significance for Aicardi-Goutieres syndrome 4. Last evaluated: 2022-01-18. Review status: criteria provided, single submitter. Criteria: ACMG Guidelines, 2015. Collection method: clinical testing. Allele origin: unknown.